The following is an entry in ClinVar:

NM_001077418.3(TMEM231):c.140-33C>T

Genes: TMEM231 (transmembrane protein 231; minus strand), LOC130059440 (ATAC-STARR-seq lymphoblastoid silent region 7724; plus strand). Cytogenetic location: 16q23.1.
Variant type: single nucleotide variant.
Coding change: c.140-33C>T on transcript NM_001077418.3 (MANE Select); 33 bases into the intron before coding-DNA position 140, C replaced by T.
Molecular consequence: intron variant. On other transcripts: missense variant (1).
Genome position (GRCh38, 1-based): chr16:75,556,006, G>A on the plus strand (C>T on the coding strand, the complement: TMEM231 is on the minus strand). VCF-style: chr16-75556006-G-A. GRCh37 (hg19) VCF-style: chr16-75589904-G-A.
Other names: c.266C>T, p.Pro89Leu (NM_001077416.2); c.194C>T (NM_001077416.1); short protein forms P89L.
Identifiers: ClinVar variation 1488321 (VCV001488321.9), dbSNP rs901311435, ClinGen allele CA283890950.

ClinVar aggregate classification (germline): Uncertain significance. Review status: criteria provided, multiple submitters, no conflicts (2 of 4 stars). 3 submissions from 3 submitters: Uncertain significance (3). Last evaluated 2025-03-11.

Conditions:
Joubert syndrome 20 (JBTS20). Identifiers: Orphanet 475, MedGen C3554235, MONDO:0013994, OMIM 614970.
Meckel syndrome, type 11 (MKS11). Identifiers: Orphanet 564, MedGen C3809352, MONDO:0014164, OMIM 615397.
Inborn genetic diseases. Identifiers: MedGen C0950123, MeSH D030342.

Allele frequency attached by ClinVar (database versions not stated): gnomAD exomes 0.00001; TOPMed 0.00003; gnomAD 0.00004.
gnomAD v4.1: 39 of 1,584,182 alleles (0.0025%); highest among the groups gnomAD compares: Non-Finnish European, 0.0031%; no homozygotes.

Submissions (3):

Ambry Genetics
Classification: Uncertain significance for Inborn genetic diseases. Last evaluated: 2025-03-11. Review status: criteria provided, single submitter. Criteria: Ambry Variant Classification Scheme 2023. Collection method: clinical testing. Allele origin: germline.

GeneDx
Classification: Uncertain significance. Last evaluated: 2022-04-27. Review status: criteria provided, single submitter. Criteria: GeneDx Variant Classification Process June 2021. Collection method: clinical testing. Allele origin: germline. Affected: yes.
Comment: Not observed at significant frequency in large population cohorts (gnomAD); Has not been previously published as pathogenic or benign to our knowledge

Labcorp Genetics (formerly Invitae), Labcorp
Classification: Uncertain significance for Joubert syndrome 20; Meckel syndrome, type 11. Last evaluated: 2021-07-14. Review status: criteria provided, single submitter. Criteria: Invitae Variant Classification Sherloc (09022015). Collection method: clinical testing. Allele origin: germline.
Comment: In summary, the available evidence is currently insufficient to determine the role of this variant in disease. Therefore, it has been classified as a Variant of Uncertain Significance. Algorithms developed to predict the effect of missense changes on protein structure and function output the following: SIFT: "Tolerated"; PolyPhen-2: "Not Available"; Align-GVGD: "Class C0". The leucine amino acid residue is found in multiple mammalian species, suggesting that this missense change does not adversely affect protein function. These predictions have not been confirmed by published functional studies and their clinical significance is uncertain. This variant has not been reported in the literature in individuals with TMEM231-related conditions. This variant is not present in population databases (ExAC no frequency). This sequence change replaces proline with leucine at codon 89 of the TMEM231 protein (p.Pro89Leu). The proline residue is weakly conserved and there is a moderate physicochemical difference between proline and leucine.